The following is an entry in ClinVar:

NM_001165963.4(SCN1A):c.2156T>A (p.Ile719Asn)

Gene: SCN1A (sodium voltage-gated channel alpha subunit 1; minus strand). Cytogenetic location: 2q24.3.
Variant type: single nucleotide variant.
Coding change: c.2156T>A on transcript NM_001165963.4 (MANE Select); coding-DNA position 2156, T replaced by A.
Protein change: p.Ile719Asn; replaces isoleucine 719 with asparagine.
Molecular consequence: missense variant. On other transcripts: 5 prime UTR variant (1), non-coding transcript variant (1).
Genome position (GRCh38, 1-based): chr2:166,042,312, A>T on the plus strand (T>A on the coding strand, the complement: SCN1A is on the minus strand). VCF-style: chr2-166042312-A-T. GRCh37 (hg19) VCF-style: chr2-166898822-A-T.
Other names: c.2072T>A, p.Ile691Asn (NM_001165964.3, NM_001353957.2, NM_001353958.2); c.2156T>A, p.Ile719Asn (NM_001202435.3, NM_001353948.2); c.2123T>A, p.Ile708Asn (NM_001353949.2, NM_001353950.2, NM_001353951.2 and 2 more transcripts); c.2120T>A, p.Ile707Asn (NM_001353954.2, NM_001353955.2); c.2069T>A, p.Ile690Asn (NM_001353960.2); c.-303T>A (NM_001353961.2); short protein forms I708N, I690N, I719N, I707N, I691N.
Identifiers: ClinVar variation 493297 (VCV000493297.51), dbSNP rs1553543839, ClinGen allele CA349065662.
Genomic context (GRCh38, chr2:166,042,312, plus strand): 5'-GGTGAAAATAATTGAAACGAAAATAGAATTTGTTACCAACCTTCTACTGTATTTGTTAGA[A>T]TGCTGGCTATACTCATTGCTCGTTGCCTTTGGGAAGGATCTTCTAGAAAGTCCATGGAAA-3'
Protein context (NP_001159435.1, residues 709-729): QRQRAMSIAS[Ile719Asn]LTNTVEELEE

ClinVar aggregate classification (germline): Uncertain significance. Review status: criteria provided, multiple submitters, no conflicts (2 of 4 stars). 2 submissions from 2 submitters: Uncertain significance (2). Last evaluated 2023-07-29.

Conditions:
Early-infantile DEE. Also called: Early infantile epileptic encephalopathy with suppression bursts; Early infantile epileptic encephalopathy; Ohtahara syndrome. Identifiers: Orphanet 1934, MedGen C0393706, MONDO:0800491.

Allele frequency attached by ClinVar (database versions not stated): gnomAD exomes below 0.00001.
gnomAD v4.1: 5 of 1,613,922 alleles (0.00031%); highest among the groups gnomAD compares: Non-Finnish European, 0.00042%; no homozygotes.

Submissions (2):

Labcorp Genetics (formerly Invitae), Labcorp
Classification: Uncertain significance for Early-infantile DEE. Last evaluated: 2023-07-29. Review status: criteria provided, single submitter. Criteria: Invitae Variant Classification Sherloc (09022015). Collection method: clinical testing. Allele origin: germline.
Comment: In summary, the available evidence is currently insufficient to determine the role of this variant in disease. Therefore, it has been classified as a Variant of Uncertain Significance. Advanced modeling of protein sequence and biophysical properties (such as structural, functional, and spatial information, amino acid conservation, physicochemical variation, residue mobility, and thermodynamic stability) performed at Invitae indicates that this missense variant is expected to disrupt SCN1A protein function. ClinVar contains an entry for this variant (Variation ID: 493297). This variant has not been reported in the literature in individuals affected with SCN1A-related conditions. This variant is not present in population databases (gnomAD no frequency). This sequence change replaces isoleucine, which is neutral and non-polar, with asparagine, which is neutral and polar, at codon 719 of the SCN1A protein (p.Ile719Asn).

CeGaT Center for Human Genetics Tuebingen
Classification: Uncertain significance. Last evaluated: 2017-09-01. Review status: criteria provided, single submitter. Criteria: CeGaT Center For Human Genetics Tuebingen Variant Classification Criteria Version 2. Collection method: clinical testing. Allele origin: germline. Affected: yes. Observed: 1 variant allele.